The following is an entry in ClinVar:

NM_003070.5(SMARCA2):c.3021C>G (p.Asn1007Lys)

Gene: SMARCA2 (SWI/SNF related, matrix associated, actin dependent regulator of chromatin, subfamily a, member 2; plus strand). Cytogenetic location: 9p24.3.
Variant type: single nucleotide variant.
Coding change: c.3021C>G on transcript NM_003070.5 (MANE Select); coding-DNA position 3021, C replaced by G.
Protein change: p.Asn1007Lys; replaces asparagine 1007 with lysine.
Molecular consequence: missense variant.
Genome position (GRCh38, 1-based): chr9:2,097,414, C>G. VCF-style: chr9-2097414-C-G. GRCh37 (hg19) VCF-style: chr9-2097414-C-G.
Other names: c.3021C>G, p.Asn1007Lys (NM_001289396.2, NM_139045.4); c.2847C>G, p.Asn949Lys (NM_001289397.2); short protein forms N1007K, N949K.
Identifiers: ClinVar variation 265528 (VCV000265528.2), dbSNP rs886041042, ClinGen allele CA10588475.

ClinVar aggregate classification (germline): Likely pathogenic (1 of 4 stars; one submission).

Submission:

GeneDx
Classification: Likely pathogenic. Last evaluated: 2015-12-29. Review status: criteria provided, single submitter. Criteria: GeneDx Variant Classification (06012015). Collection method: clinical testing. Allele origin: germline. Affected: yes.
Comment: The N1007K variant in the SMARCA2 gene has not been reported previously as a pathogenic variant, nor as a benign variant, to our knowledge. The N1007K variant was not observed in approximately 6500 individuals of European and African American ancestry in the NHLBI Exome Sequencing Project, indicating it is not a common benign variant in these populations. The N1007K variant is a semi-conservative amino acid substitution, which may impact secondary protein structure as these residues differ in some properties. This substitution occurs at a position that is conserved across species, and in silico analysis predicts this variant is probably damaging to the protein structure/function. The N1007K variant is a strong candidate for a pathogenic variant, however the possibility it may be a rare benign variant cannot be excluded.